The following is an entry in ClinVar:

NM_000090.4(COL3A1):c.667C>G (p.Pro223Ala)

Gene: COL3A1 (collagen type III alpha 1 chain; plus strand). Cytogenetic location: 2q32.2.
Variant type: single nucleotide variant.
Coding change: c.667C>G on transcript NM_000090.4 (MANE Select); coding-DNA position 667, C replaced by G.
Protein change: p.Pro223Ala; replaces proline 223 with alanine.
Molecular consequence: missense variant.
Genome position (GRCh38, 1-based): chr2:188,989,426, C>G. VCF-style: chr2-188989426-C-G. GRCh37 (hg19) VCF-style: chr2-189854152-C-G.
Other names: short protein forms P223A.
Identifiers: ClinVar variation 519614 (VCV000519614.17), dbSNP rs1325737333, ClinGen allele CA349848823.

ClinVar aggregate classification (germline): Uncertain significance. Review status: criteria provided, multiple submitters, no conflicts (2 of 4 stars). 3 submissions from 3 submitters: Uncertain significance (3). Last evaluated 2026-06-17.

Conditions:
Ehlers-Danlos syndrome, type 4 (EDSVASC). Also called: Ehlers-Danlos syndrome vascular type; Ehlers Danlos syndrome, ecchymotic type; Ehlers Danlos syndrome, arterial type; Ehlers Danlos syndrome, Sack-Barabas type; Ehlers-Danlos Syndrome Type IV. Identifiers: Orphanet 286, MedGen C0268338, MONDO:0017314, OMIM 130050.
Familial thoracic aortic aneurysm and aortic dissection (TAAD). Also called: Thoracic aortic aneurysms and dissections. Identifiers: Orphanet 91387, MedGen C4707243, MONDO:0019625.

Submissions (3):

Ambry Genetics
Classification: Uncertain significance for Familial thoracic aortic aneurysm and aortic dissection. Last evaluated: 2026-06-17. Review status: criteria provided, single submitter. Criteria: Ambry Variant Classification Scheme 2023. Collection method: clinical testing. Allele origin: germline.

Color Diagnostics, LLC DBA Color Health
Classification: Uncertain significance for Familial thoracic aortic aneurysm and aortic dissection. Last evaluated: 2025-10-12. Review status: criteria provided, single submitter. Criteria: ACMG Guidelines, 2015. Collection method: clinical testing. Allele origin: germline.
Comment: This missense variant replaces proline with alanine at codon 223 of the COL3A1 protein. Computational prediction is inconclusive regarding the impact of this variant on protein structure and function. To our knowledge, functional studies have not been reported for this variant. This variant has not been reported in individuals affected with COL3A1-related disorders in the literature. This variant has not been identified in the general population by the Genome Aggregation Database (gnomAD). The available evidence is insufficient to determine the role of this variant in disease conclusively. Therefore, this variant is classified as a Variant of Uncertain Significance.

Labcorp Genetics (formerly Invitae), Labcorp
Classification: Uncertain significance for Ehlers-Danlos syndrome, type 4. Last evaluated: 2019-09-02. Review status: criteria provided, single submitter. Criteria: Invitae Variant Classification Sherloc (09022015). Collection method: clinical testing. Allele origin: germline.
Comment: In summary, the available evidence is currently insufficient to determine the role of this variant in disease. Therefore, it has been classified as a Variant of Uncertain Significance. Algorithms developed to predict the effect of missense changes on protein structure and function are either unavailable or do not agree on the potential impact of this missense change (SIFT: "Deleterious"; PolyPhen-2: "Not Available"; Align-GVGD: "Class C0"). This variant has not been reported in the literature in individuals with COL3A1-related conditions. ClinVar contains an entry for this variant (Variation ID: 519614). This variant is not present in population databases (ExAC no frequency). This sequence change replaces proline with alanine at codon 223 of the COL3A1 protein (p.Pro223Ala). The proline residue is highly conserved and there is a small physicochemical difference between proline and alanine.